The following is an entry in ClinVar:

NM_004260.4(RECQL4):c.472G>A (p.Glu158Lys)

Gene: RECQL4 (RecQ like helicase 4; minus strand). Cytogenetic location: 8q24.3.
Variant type: single nucleotide variant.
Coding change: c.472G>A on transcript NM_004260.4 (MANE Select); coding-DNA position 472, G replaced by A.
Protein change: p.Glu158Lys; replaces glutamic acid 158 with lysine.
Molecular consequence: missense variant.
Genome position (GRCh38, 1-based): chr8:144,516,647, C>T on the plus strand (G>A on the coding strand, the complement: RECQL4 is on the minus strand). VCF-style: chr8-144516647-C-T. GRCh37 (hg19) VCF-style: chr8-145742031-C-T.
Other names: short protein forms E158K.
Identifiers: ClinVar variation 941263 (VCV000941263.7), dbSNP rs1387642543, ClinGen allele CA372691342.

ClinVar aggregate classification (germline): Uncertain significance. Review status: criteria provided, multiple submitters, no conflicts (2 of 4 stars). 2 submissions from 2 submitters: Uncertain significance (2). Last evaluated 2025-08-04.

Conditions:
Baller-Gerold syndrome (BGS). Also called: CRANIOSYNOSTOSIS WITH RADIAL DEFECTS. Identifiers: Orphanet 1225, MedGen C0265308, MONDO:0009039, OMIM 218600.
Inborn genetic diseases. Identifiers: MedGen C0950123, MeSH D030342.

Allele frequency attached by ClinVar (database versions not stated): gnomAD 0.00001; TOPMed 0.00001.
gnomAD v4.1: 4 of 1,606,004 alleles (0.00025%); highest among the groups gnomAD compares: African/African-American, 0.0054%; no homozygotes.

Submissions (2):

Ambry Genetics
Classification: Uncertain significance for Inborn genetic diseases. Last evaluated: 2025-08-04. Review status: criteria provided, single submitter. Criteria: Ambry Variant Classification Scheme 2023. Collection method: clinical testing. Allele origin: germline.
Comment: The p.E158K variant (also known as c.472G>A), located in coding exon 5 of the RECQL4 gene, results from a G to A substitution at nucleotide position 472. The glutamic acid at codon 158 is replaced by lysine, an amino acid with similar properties. This amino acid position is conserved. In addition, this alteration is predicted to be tolerated by in silico analysis. Based on the available evidence, the clinical significance of this variant remains unclear.

Labcorp Genetics (formerly Invitae), Labcorp
Classification: Uncertain significance for Baller-Gerold syndrome. Last evaluated: 2023-05-23. Review status: criteria provided, single submitter. Criteria: Invitae Variant Classification Sherloc (09022015). Collection method: clinical testing. Allele origin: germline.
Comment: In summary, the available evidence is currently insufficient to determine the role of this variant in disease. Therefore, it has been classified as a Variant of Uncertain Significance. Experimental studies and prediction algorithms are not available or were not evaluated, and the functional significance of this variant is currently unknown. ClinVar contains an entry for this variant (Variation ID: 941263). This variant has not been reported in the literature in individuals affected with RECQL4-related conditions. The frequency data for this variant in the population databases is considered unreliable, as metrics indicate poor data quality at this position in the gnomAD database. This sequence change replaces glutamic acid, which is acidic and polar, with lysine, which is basic and polar, at codon 158 of the RECQL4 protein (p.Glu158Lys).